The following is an entry in ClinVar:

NM_000303.3(PMM2):c.473T>C (p.Val158Ala)

Gene: PMM2 (phosphomannomutase 2; plus strand). Cytogenetic location: 16p13.2.
Variant type: single nucleotide variant.
Coding change: c.473T>C on transcript NM_000303.3 (MANE Select); coding-DNA position 473, T replaced by C.
Protein change: p.Val158Ala; replaces valine 158 with alanine.
Molecular consequence: missense variant.
Genome position (GRCh38, 1-based): chr16:8,811,663, T>C. VCF-style: chr16-8811663-T-C. GRCh37 (hg19) VCF-style: chr16-8905520-T-C.
Other names: short protein forms V158A.
Identifiers: ClinVar variation 3375012 (VCV003375012.1).

ClinVar aggregate classification (germline): Uncertain significance (1 of 4 stars; one submission).

Submission:

Women's Health and Genetics/Laboratory Corporation of America, LabCorp
Classification: Uncertain significance. Last evaluated: 2024-09-06. Review status: criteria provided, single submitter. Criteria: LabCorp Variant Classification Summary - May 2015. Collection method: clinical testing. Allele origin: germline.
Comment: Variant summary: PMM2 c.473T>C (p.Val158Ala) results in a non-conservative amino acid change in the encoded protein sequence. Four of five in-silico tools predict a damaging effect of the variant on protein function. The variant was absent in 251396 control chromosomes. The available data on variant occurrences in the general population are insufficient to allow any conclusion about variant significance. c.473T>C has been reported in the literature in at least one compound heterozygous individual affected with Congenital Disorder Of Glycosylation Type 1a (Perez-Cerda_2017, Segovia-Falquina_2022). These data do not allow any conclusion about variant significance. At least one publication reports experimental evidence evaluating an impact on protein function. The most pronounced variant effect results in >65% of normal phosphomannomutase activity (Segovia-Falquina_2022). The following publications have been ascertained in the context of this evaluation (PMID: 28139241, 35789514). No submitters have cited clinical-significance assessments for this variant to ClinVar. Based on the evidence outlined above, the variant was classified as uncertain significance.

Literature cited by the submitters: PubMed 28139241; PubMed 35789514.